The following is an entry in ClinVar:

ClinVar aggregate classification (germline): Pathogenic (1 of 4 stars; one submission).

Conditions:
Hereditary factor XI deficiency disease. Also called: PLASMA THROMBOPLASTIN ANTECEDENT DEFICIENCY; PTA DEFICIENCY; ROSENTHAL SYNDROME; Congenital factor XI deficiency. Identifiers: Orphanet 329, MedGen C0015523, MeSH D005173, MONDO:0012897, OMIM 612416.

Submission:

Myriad Genetics, Inc.
Classification: Pathogenic for Hereditary factor XI deficiency disease. Last evaluated: 2025-11-10. Review status: criteria provided, single submitter. Criteria: Myriad Autosomal Dominant, Autosomal Recessive and X-Linked Classification Criteria (2023). Collection method: clinical testing. Allele origin: unknown.
Comment: NM_000128.3(F11):c.170dupT(L57Ffs*12) is expected to be pathogenic in the context of factor XI deficiency. This variant is predicted to lead to an abnormal or absent protein product due to the creation of a premature termination codon in F11, a gene where loss-of-function variants are known to be pathogenic. Please note: this variant was assessed in the context of healthy population screening.

NM_000128.4(F11):c.170dup (p.Leu57fs)

Gene: F11 (coagulation factor XI; plus strand). Cytogenetic location: 4q35.2.
Variant type: Duplication.
Coding change: c.170dup on transcript NM_000128.4 (MANE Select); coding-DNA position 170, one base duplicated (T; older notation c.170dupT).
Protein change: p.Leu57fs; shifts the reading frame from leucine 57.
Molecular consequence: frameshift variant.
Genome position (GRCh38, 1-based): chr4:186,271,723, T duplicated; the last of 3 consecutive T bases (chr4:186,271,721-186,271,723); duplicating any one gives the same sequence. VCF-style (leftmost placement, unchanged base first): chr4-186271720-G-GT. GRCh37 (hg19) VCF-style: chr4-187192874-G-GT.
Other names: c.170dup, p.Leu57fs (NM_001354804.2, NM_001440590.1, NM_001440593.1 and 5 more transcripts); short protein forms L57fs.
Identifiers: ClinVar variation 5015192 (VCV005015192.1).